The following is an entry in ClinVar:

NM_000814.6(GABRB3):c.144C>T (p.Tyr48=)

Gene: GABRB3 (gamma-aminobutyric acid type A receptor subunit beta3; minus strand). Cytogenetic location: 15q12.
Variant type: single nucleotide variant.
Coding change: c.144C>T on transcript NM_000814.6 (MANE Select); coding-DNA position 144, C replaced by T.
Protein change: p.Tyr48=; no amino-acid change (tyrosine 48 retained).
Molecular consequence: synonymous variant. On other transcripts: 5 prime UTR variant (1).
Genome position (GRCh38, 1-based): chr15:26,772,709, G>A on the plus strand (C>T on the coding strand, the complement: GABRB3 is on the minus strand). VCF-style: chr15-26772709-G-A. GRCh37 (hg19) VCF-style: chr15-27017856-G-A.
Other names: c.-208C>T (NM_001278631.2); c.144C>T, p.Tyr48= (NM_021912.5).
Identifiers: ClinVar variation 1570260 (VCV001570260.10), dbSNP rs868652432, ClinGen allele CA489073743.

ClinVar aggregate classification (germline): Likely benign. Review status: criteria provided, multiple submitters, no conflicts (2 of 4 stars). 2 submissions from 2 submitters: Likely benign (2). Last evaluated 2026-06-01.

Conditions:
Epilepsy, childhood absence, susceptibility to, 5. Identifiers: Orphanet 64280, MedGen C2677087, MONDO:0012843, OMIM 612269.
Epilepsy, childhood absence, susceptibility to, 1. Also called: Epilepsy, childhood absence 1. Identifiers: Orphanet 64280, MedGen C1838604, MONDO:0020759, OMIM 600131.

Allele frequency attached by ClinVar (database versions not stated): gnomAD exomes 0.00001.
gnomAD v4.1: 10 of 1,579,048 alleles (0.00063%); highest among the groups gnomAD compares: Non-Finnish European, 0.00086%; no homozygotes.

Submissions (2):

CeGaT Center for Human Genetics Tuebingen
Classification: Likely benign. Last evaluated: 2026-06-01. Review status: criteria provided, single submitter. Criteria: CeGaT Center For Human Genetics Tuebingen Variant Classification Criteria Version 2. Collection method: clinical testing. Allele origin: germline. Affected: yes. Observed: 1 variant allele.
Comment: GABRB3: BP4, BP7

Labcorp Genetics (formerly Invitae), Labcorp
Classification: Likely benign for Epilepsy, childhood absence, susceptibility to, 5; Epilepsy, childhood absence, susceptibility to, 1. Last evaluated: 2023-02-21. Review status: criteria provided, single submitter. Criteria: Invitae Variant Classification Sherloc (09022015). Collection method: clinical testing. Allele origin: germline.